The following is an entry in ClinVar:

ClinVar aggregate classification (germline): Likely benign (1 of 4 stars; one submission).

Allele frequency attached by ClinVar (database versions not stated): TOPMed below 0.00001; ExAC 0.00002.

Submission:

CeGaT Center for Human Genetics Tuebingen
Classification: Likely benign. Last evaluated: 2023-10-01. Review status: criteria provided, single submitter. Criteria: CeGaT Center For Human Genetics Tuebingen Variant Classification Criteria Version 2. Collection method: clinical testing. Allele origin: germline. Affected: yes. Observed: 1 variant allele.
Comment: KDM5C: BP4, BP7

NM_004187.5(KDM5C):c.3981C>T (p.Tyr1327=)

Gene: KDM5C (lysine demethylase 5C; minus strand). Cytogenetic location: Xp11.22.
Variant type: single nucleotide variant.
Coding change: c.3981C>T on transcript NM_004187.5 (MANE Select); coding-DNA position 3981, C replaced by T.
Protein change: p.Tyr1327=; no amino-acid change (tyrosine 1327 retained).
Molecular consequence: synonymous variant. On other transcripts: non-coding transcript variant (3).
Genome position (GRCh38, 1-based): chrX:53,194,196, G>A on the plus strand (C>T on the coding strand, the complement: KDM5C is on the minus strand). VCF-style: chrX-53194196-G-A. GRCh37 (hg19) VCF-style: chrX-53223378-G-A.
Other names: c.3780C>T, p.Tyr1260= (NM_001146702.2); c.3978C>T, p.Tyr1326= (NM_001282622.3, NM_001353979.2, NM_001353982.2); c.3981C>T, p.Tyr1327= (NM_001353978.3, NM_001353981.2, NM_001353984.2).
Identifiers: ClinVar variation 2660585 (VCV002660585.24), dbSNP rs782029203, ClinGen allele CA10419162.